The following is an entry in ClinVar:

ClinVar aggregate classification (germline): Uncertain significance. Review status: criteria provided, multiple submitters, no conflicts (2 of 4 stars). 2 submissions from 2 submitters: Uncertain significance (2). Last evaluated 2024-11-07.

Conditions:
Inborn genetic diseases. Identifiers: MedGen C0950123, MeSH D030342.
Malignant hyperthermia, susceptibility to, 5 (MHS5). Also called: CACNA1S-Related Malignant Hyperthermia Susceptibility. Identifiers: Orphanet 423, MedGen C1866077, MONDO:0011163, OMIM 601887.

gnomAD v4.1: 4 of 1,614,142 alleles (0.00025%); highest among the groups gnomAD compares: Non-Finnish European, 0.00034%; no homozygotes.

Submissions (2):

Ambry Genetics
Classification: Uncertain significance for Inborn genetic diseases. Last evaluated: 2024-11-07. Review status: criteria provided, single submitter. Criteria: Ambry Variant Classification Scheme 2023. Collection method: clinical testing. Allele origin: germline.

All of Us Research Program, National Institutes of Health
Classification: Uncertain significance for Malignant hyperthermia, susceptibility to, 5. Last evaluated: 2024-03-05. Review status: criteria provided, single submitter. Criteria: ACMG Guidelines, 2015. Collection method: clinical testing. Allele origin: germline. Inheritance: Autosomal dominant inheritance. Observed: 1 variant allele, 1 heterozygote.
Comment: This study involves interpretation of variants in research participants for the purpose of population health screening. Participant phenotype was not available at the time of variant classification. Additional details can be found in publication PMID: 35346344, PMCID: PMC8962531

NM_000069.3(CACNA1S):c.4502C>T (p.Thr1501Ile)

Gene: CACNA1S (calcium voltage-gated channel subunit alpha1 S; minus strand). Cytogenetic location: 1q32.1.
Variant type: single nucleotide variant.
Coding change: c.4502C>T on transcript NM_000069.3 (MANE Select); coding-DNA position 4502, C replaced by T.
Protein change: p.Thr1501Ile; replaces threonine 1501 with isoleucine.
Molecular consequence: missense variant.
Genome position (GRCh38, 1-based): chr1:201,047,566, G>A on the plus strand (C>T on the coding strand, the complement: CACNA1S is on the minus strand). VCF-style: chr1-201047566-G-A. GRCh37 (hg19) VCF-style: chr1-201016694-G-A.
Other names: c.4502C>T (NM_000069.2); short protein forms T1501I.
Identifiers: ClinVar variation 3386299 (VCV003386299.2).